The following is an entry in ClinVar:

ClinVar aggregate classification (germline): Pathogenic (1 of 4 stars; one submission).

Conditions:
Autosomal dominant nonsyndromic hearing loss 65. Also called: Deafness, autosomal dominant 65; TBC1D24-Related Autosomal Dominant Nonsyndromic Hearing Loss (DFNA). Identifiers: Orphanet 90635, MedGen C3892048, MONDO:0014470, OMIM 616044.
Developmental and epileptic encephalopathy, 1 (DEE1). Also called: INFANTILE SPASM SYNDROME, X-LINKED 1; X-linked infantile spasms; West's syndrome; Tonic spasms with clustering, arrest of psychomotor development and hypsarrhythmia on EEG; X-Linked Infantile Spasm Syndrome; OHTAHARA SYNDROME, X-LINKED. Identifiers: MedGen C3463992, MONDO:0010632, OMIM 308350. Disease mechanism: loss of function.

Submission:

Labcorp Genetics (formerly Invitae), Labcorp
Classification: Pathogenic for Developmental and epileptic encephalopathy, 1; Autosomal dominant nonsyndromic hearing loss 65. Last evaluated: 2025-01-21. Review status: criteria provided, single submitter. Criteria: Invitae Variant Classification Sherloc (09022015). Collection method: clinical testing. Allele origin: germline.
Comment: This sequence change creates a premature translational stop signal (p.Glu462Serfs*61) in the TBC1D24 gene. While this is not anticipated to result in nonsense mediated decay, it is expected to disrupt the last 98 amino acid(s) of the TBC1D24 protein. This variant is not present in population databases (gnomAD no frequency). This premature translational stop signal has been observed in individual(s) with autosomal recessive TBC1D24-related conditions (PMID: 27281533). This variant disrupts a region of the TBC1D24 protein in which other variant(s) (p.Ala515Val) have been determined to be pathogenic (PMID: 20727515, 26668325, 27281533; internal data). This suggests that this is a clinically significant region of the protein, and that variants that disrupt it are likely to be disease-causing. For these reasons, this variant has been classified as Pathogenic.

Literature cited by the submitters: PubMed 27281533; PubMed 20727515; PubMed 26668325.

NM_001199107.2(TBC1D24):c.1384del (p.Glu462fs)

Gene: TBC1D24 (TBC1 domain family member 24; plus strand). Cytogenetic location: 16p13.3.
Variant type: Deletion.
Coding change: c.1384del on transcript NM_001199107.2 (MANE Select); coding-DNA position 1384, one base deleted (G; older notation c.1384delG).
Protein change: p.Glu462fs; shifts the reading frame from glutamic acid 462.
Molecular consequence: frameshift variant.
Genome position (GRCh38, 1-based): chr16:2,500,349, G deleted. VCF-style (leftmost placement, unchanged base first): chr16-2500348-CG-C. GRCh37 (hg19) VCF-style: chr16-2550349-CG-C.
Other names: c.1366del, p.Glu456fs (NM_020705.3); short protein forms E456fs, E462fs.
Identifiers: ClinVar variation 3759338 (VCV003759338.2).